The following is an entry in ClinVar:

ClinVar aggregate classification (germline): Benign/Likely benign. Review status: criteria provided, multiple submitters, no conflicts (2 of 4 stars). 3 submissions from 3 submitters: Benign (1); Likely benign (2). Last evaluated 2024-12-08.

Conditions:
Hereditary cancer-predisposing syndrome. Also called: Hereditary neoplastic syndrome; Neoplastic Syndromes, Hereditary; Tumor predisposition; Hereditary Cancer Syndrome. Identifiers: Orphanet 140162, MedGen C0027672, MeSH D009386, MONDO:0015356.
Hereditary diffuse gastric adenocarcinoma (HDGC). Also called: DIFFUSE GASTRIC AND LOBULAR BREAST CANCER SYNDROME. Identifiers: Orphanet 26106, MedGen C1708349, MONDO:0007648, OMIM 137215.

Submissions (3):

Ambry Genetics
Classification: Likely benign for Hereditary cancer-predisposing syndrome. Last evaluated: 2024-12-08. Review status: criteria provided, single submitter. Criteria: Ambry Variant Classification Scheme 2023. Collection method: clinical testing. Allele origin: germline.

Myriad Genetics, Inc.
Classification: Benign for Hereditary diffuse gastric adenocarcinoma. Last evaluated: 2024-09-13. Review status: criteria provided, single submitter. Criteria: Myriad Autosomal Dominant, Autosomal Recessive and X-Linked Classification Criteria (2023). Collection method: clinical testing. Allele origin: unknown.
Comment: This variant is considered benign. This variant is a silent/synonymous amino acid change and it is not expected to impact splicing.

Labcorp Genetics (formerly Invitae), Labcorp
Classification: Likely benign for Hereditary diffuse gastric adenocarcinoma. Last evaluated: 2023-08-01. Review status: criteria provided, single submitter. Criteria: Invitae Variant Classification Sherloc (09022015). Collection method: clinical testing. Allele origin: germline.

NM_004360.5(CDH1):c.489C>T (p.Cys163=)

Gene: CDH1 (cadherin 1; plus strand). Cytogenetic location: 16q22.1.
Variant type: single nucleotide variant.
Coding change: c.489C>T on transcript NM_004360.5 (MANE Select); coding-DNA position 489, C replaced by T.
Protein change: p.Cys163=; no amino-acid change (cysteine 163 retained).
Molecular consequence: synonymous variant. On other transcripts: 5 prime UTR variant (2).
Genome position (GRCh38, 1-based): chr16:68,808,525, C>T. VCF-style: chr16-68808525-C-T. GRCh37 (hg19) VCF-style: chr16-68842428-C-T.
Other names: c.489C>T, p.Cys163= (NM_001317184.2); c.-1127C>T (NM_001317185.2); c.-1331C>T (NM_001317186.2).
Identifiers: ClinVar variation 2802898 (VCV002802898.5), dbSNP rs1064794230, ClinGen allele CA496392224.